The following is an entry in ClinVar:

NM_006648.4(WNK2):c.3842G>A (p.Ser1281Asn)

Gene: WNK2 (WNK lysine deficient protein kinase 2; plus strand). Cytogenetic location: 9q22.31.
Variant type: single nucleotide variant.
Coding change: c.3842G>A on transcript NM_006648.4 (MANE Select); coding-DNA position 3842, G replaced by A.
Protein change: p.Ser1281Asn; replaces serine 1281 with asparagine.
Molecular consequence: missense variant.
Genome position (GRCh38, 1-based): chr9:93,267,891, G>A. VCF-style: chr9-93267891-G-A. GRCh37 (hg19) VCF-style: chr9-96030173-G-A.
Other names: c.3842G>A, p.Ser1281Asn (NM_001282394.3); short protein forms S1281N.
Identifiers: ClinVar variation 3982010 (VCV003982010.1).

ClinVar aggregate classification (germline): Uncertain significance (1 of 4 stars; one submission).

gnomAD v4.1: 3 of 1,612,738 alleles (0.00019%); highest among the groups gnomAD compares: Admixed American, 0.0017%; no homozygotes.

Submission:

Ambry Genetics
Classification: Uncertain significance. Last evaluated: 2025-05-08. Review status: criteria provided, single submitter. Criteria: Ambry Variant Classification Scheme 2023. Collection method: clinical testing. Allele origin: germline.
Comment: The p.S1281N variant (also known as c.3842G>A), located in coding exon 16 of the WNK2 gene, results from a G to A substitution at nucleotide position 3842. The serine at codon 1281 is replaced by asparagine, an amino acid with highly similar properties. This amino acid position is conserved. In addition, this alteration is predicted to be tolerated by in silico analysis. Based on the available evidence, the clinical significance of this variant remains unclear.